The following is an entry in ClinVar:

ClinVar aggregate classification (germline): Uncertain significance. Review status: criteria provided, multiple submitters, no conflicts (2 of 4 stars). 4 submissions from 4 submitters: Uncertain significance (4). Last evaluated 2026-06-12.

Conditions:
Inborn genetic diseases. Identifiers: MedGen C0950123, MeSH D030342.
Treacher Collins syndrome 3 (TCS3). Also called: POLR1C-Related Treacher Collins Syndrome. Identifiers: Orphanet 861, MedGen C1855433, MONDO:0009558, OMIM 248390.

Allele frequency attached by ClinVar (database versions not stated): ESP Exome Variant Server 0.00008; gnomAD 0.00017 and 0.00018; TOPMed 0.00019; ExAC 0.00012.
gnomAD v4.1: 295 of 1,614,118 alleles (0.018%); highest among the groups gnomAD compares: Non-Finnish European, 0.021%; no homozygotes.

Submissions (4):

Ambry Genetics
Classification: Uncertain significance for Inborn genetic diseases. Last evaluated: 2026-06-12. Review status: criteria provided, single submitter. Criteria: Ambry Variant Classification Scheme 2023. Collection method: clinical testing. Allele origin: germline.
Comment: The c.845C>G (p.T282S) alteration is located in exon 8 (coding exon 8) of the POLR1C gene. This alteration results from a C to G substitution at nucleotide position 845, causing the threonine (T) at amino acid position 282 to be replaced by a serine (S). Based on data from gnomAD, the G allele has an overall frequency of 0.023% (64/282874) total alleles studied. The highest observed frequency was 0.08% (20/25118) of European (Finnish) alleles. Based on insufficient or conflicting evidence, the clinical significance of this alteration remains unclear.

Mayo Clinic Laboratories, Mayo Clinic
Classification: Uncertain significance. Last evaluated: 2025-10-10. Review status: criteria provided, single submitter. Criteria: ACMG Guidelines, 2015. Collection method: clinical testing. Allele origin: germline. Observed: 1 variant allele.

Labcorp Genetics (formerly Invitae), Labcorp
Classification: Uncertain significance. Last evaluated: 2025-01-23. Review status: criteria provided, single submitter. Criteria: Invitae Variant Classification Sherloc (09022015). Collection method: clinical testing. Allele origin: germline.
Comment: This sequence change replaces threonine, which is neutral and polar, with serine, which is neutral and polar, at codon 282 of the POLR1C protein (p.Thr282Ser). This variant is present in population databases (rs371479150, gnomAD 0.08%). This variant has not been reported in the literature in individuals affected with POLR1C-related conditions. ClinVar contains an entry for this variant (Variation ID: 911664). Invitae Evidence Modeling of protein sequence and biophysical properties (such as structural, functional, and spatial information, amino acid conservation, physicochemical variation, residue mobility, and thermodynamic stability) indicates that this missense variant is not expected to disrupt POLR1C protein function with a negative predictive value of 80%. In summary, the available evidence is currently insufficient to determine the role of this variant in disease. Therefore, it has been classified as a Variant of Uncertain Significance.

Illumina Laboratory Services, Illumina
Classification: Uncertain significance for Treacher Collins syndrome 3. Last evaluated: 2018-01-13. Review status: criteria provided, single submitter. Criteria: ICSL Variant Classification Criteria 13 December 2019. Collection method: clinical testing. Allele origin: germline.

NM_203290.4(POLR1C):c.845C>G (p.Thr282Ser)

Gene: POLR1C (RNA polymerase I and III subunit C; plus strand). Cytogenetic location: 6p21.1.
Variant type: single nucleotide variant.
Coding change: c.845C>G on transcript NM_203290.4 (MANE Select); coding-DNA position 845, C replaced by G.
Protein change: p.Thr282Ser; replaces threonine 282 with serine.
Molecular consequence: missense variant.
Genome position (GRCh38, 1-based): chr6:43,520,971, C>G. VCF-style: chr6-43520971-C-G. GRCh37 (hg19) VCF-style: chr6-43488709-C-G.
Other names: p.Thr282Ser; c.845C>G, p.Thr282Ser (NM_001318876.2, NM_001363658.2); short protein forms T282S.
Identifiers: ClinVar variation 911664 (VCV000911664.10), dbSNP rs371479150, ClinGen allele CA3825602.